The following is an entry in ClinVar:

ClinVar aggregate classification (germline): Uncertain significance (1 of 4 stars; one submission).

Submission:

Labcorp Genetics (formerly Invitae), Labcorp
Classification: Uncertain significance. Last evaluated: 2025-06-09. Review status: criteria provided, single submitter. Criteria: Invitae Variant Classification Sherloc (09022015). Collection method: clinical testing. Allele origin: germline.
Comment: This sequence change creates a premature translational stop signal (p.Ile921Metfs*40) in the GUCY2C gene. It is expected to result in an absent or disrupted protein product. However, the current clinical and genetic evidence is not sufficient to establish whether loss-of-function variants in GUCY2C cause disease. This variant is not present in population databases (gnomAD no frequency). This variant has not been reported in the literature in individuals affected with GUCY2C-related conditions. In summary, the available evidence is currently insufficient to determine the role of this variant in disease. Therefore, it has been classified as a Variant of Uncertain Significance.

NM_004963.4(GUCY2C):c.2763del (p.Ile921fs)

Gene: GUCY2C (guanylate cyclase 2C; minus strand). Cytogenetic location: 12p12.3.
Variant type: Deletion.
Coding change: c.2763del on transcript NM_004963.4 (MANE Select); coding-DNA position 2763, one base deleted (T; older notation c.2763delT).
Protein change: p.Ile921fs; shifts the reading frame from isoleucine 921.
Molecular consequence: frameshift variant.
Genome position (GRCh38, 1-based): chr12:14,621,055, A deleted on the plus strand (T on the coding strand, the reverse complement: GUCY2C is on the minus strand); the first of 2 consecutive A bases (chr12:14,621,055-14,621,056); deleting either gives the same sequence. VCF-style (leftmost placement, unchanged base first): chr12-14621054-CA-C. GRCh37 (hg19) VCF-style: chr12-14773988-CA-C.
Other names: short protein forms I921fs.
Identifiers: ClinVar variation 4721047 (VCV004721047.1).